The following is an entry in ClinVar:

NM_006767.4(LZTR1):c.2041_2043del (p.His681del)

Gene: LZTR1 (leucine zipper like post translational regulator 1; plus strand). Cytogenetic location: 22q11.21.
Variant type: Deletion.
Coding change: c.2041_2043del on transcript NM_006767.4 (MANE Select); coding-DNA positions 2041 to 2043, 3 bases deleted (CAC; older notation c.2041_2043delCAC).
Protein change: p.His681del; deletes histidine 681.
Genome position (GRCh38, 1-based): chr22:20,995,844-20,995,846, CAC deleted; deleting any 3 consecutive bases within chr22:20,995,843-20,995,846 gives the same sequence; the c. name uses the placement nearest the transcript's 3' end. VCF-style (leftmost placement, unchanged base first): chr22-20995842-CCCA-C. GRCh37 (hg19) VCF-style: chr22-21350131-CCCA-C.
Other names: short protein forms H681del.
Identifiers: ClinVar variation 3541530 (VCV003541530.1).

ClinVar aggregate classification (germline): Uncertain significance (1 of 4 stars; one submission).

Conditions:
Hereditary cancer-predisposing syndrome. Also called: Hereditary Cancer Syndrome; Hereditary neoplastic syndrome; Tumor predisposition; Neoplastic Syndromes, Hereditary. Identifiers: Orphanet 140162, MedGen C0027672, MeSH D009386, MONDO:0015356.
Cardiovascular phenotype. Identifiers: MedGen CN230736.

Submission:

Ambry Genetics
Classification: Uncertain significance for Cardiovascular phenotype; Hereditary cancer-predisposing syndrome. Last evaluated: 2024-10-03. Review status: criteria provided, single submitter. Criteria: Ambry Variant Classification Scheme 2023. Collection method: clinical testing. Allele origin: germline.
Comment: The c.2041_2043delCAC variant (also known as p.H681del) is located in coding exon 17 of the LZTR1 gene. This variant results from an in-frame CAC deletion at nucleotide positions 2041 to 2043. This results in the in-frame deletion of a histidine at codon 681. This amino acid position is highly conserved in available vertebrate species. In addition, this alteration is predicted to be deleterious by in silico analysis (Choi Y et al. PLoS ONE. 2012; 7(10):e46688). Based on the available evidence, the clinical significance of this variant remains unclear.